The following is an entry in ClinVar:

NM_025137.4(SPG11):c.5623C>T (p.Gln1875Ter)

Gene: SPG11 (SPG11 vesicle trafficking associated, spatacsin; minus strand). Cytogenetic location: 15q21.1.
Variant type: single nucleotide variant.
Coding change: c.5623C>T on transcript NM_025137.4 (MANE Select); coding-DNA position 5623, C replaced by T.
Protein change: p.Gln1875Ter; replaces glutamine 1875 with a stop codon.
Molecular consequence: nonsense.
Genome position (GRCh38, 1-based): chr15:44,584,057, G>A on the plus strand (C>T on the coding strand, the complement: SPG11 is on the minus strand). VCF-style: chr15-44584057-G-A. GRCh37 (hg19) VCF-style: chr15-44876255-G-A.
Other names: c.5623C>T, p.Gln1875Ter (NM_001160227.2); short protein forms Q1875*.
Identifiers: ClinVar variation 1116 (VCV000001116.59), dbSNP rs141848292, ClinGen allele CA339870.

ClinVar aggregate classification (germline): Pathogenic. Review status: criteria provided, multiple submitters, no conflicts (2 of 4 stars). 16 submissions from 16 submitters: Pathogenic (14). 2 of the submissions do not count toward it. Last evaluated 2025-11-24.

Conditions:
SPG11-related disorder. Also called: SPG11-related condition.
Charcot-Marie-Tooth disease axonal type 2X. Also called: CHARCOT-MARIE-TOOTH DISEASE, AXONAL, AUTOSOMAL RECESSIVE, TYPE 2X; CHARCOT-MARIE-TOOTH NEUROPATHY, TYPE 2X. Identifiers: Orphanet 466775, MedGen C5569024, MONDO:0014726, OMIM 616668.
Hereditary spastic paraplegia 11. Also called: Spastic Paraplegia 11; Nakamura Osame syndrome; Autosomal recessive hereditary spastic paraplegia, mental impairment, and thin corpus callosum; SPASTIC PARAPLEGIA, AUTOSOMAL RECESSIVE, COMPLICATED, WITH THIN CORPUS CALLOSUM; SPASTIC PARAPLEGIA, AUTOSOMAL RECESSIVE, WITH MENTAL IMPAIRMENT AND THIN CORPUS CALLOSUM; Spastic paraplegia, mental retardation and thin corpus callosum. Identifiers: Orphanet 2822, MedGen C1858479, MONDO:0011445, OMIM 604360.
Amyotrophic lateral sclerosis type 5 (ALS5). Also called: AMYOTROPHIC LATERAL SCLEROSIS 5, JUVENILE. Identifiers: Orphanet 300605, MedGen C1865864, MONDO:0011196, OMIM 602099.
Inborn genetic diseases. Identifiers: MedGen C0950123, MeSH D030342.

Allele frequency attached by ClinVar (database versions not stated): gnomAD 0.00002; TOPMed 0.00002; gnomAD exomes 0.00003; ExAC 0.00004; ESP Exome Variant Server 0.00015.
gnomAD v4.1: 51 of 1,614,088 alleles (0.0032%); highest among the groups gnomAD compares: Non-Finnish European, 0.0039%; no homozygotes.

Submissions (16):

Labcorp Genetics (formerly Invitae), Labcorp
Classification: Pathogenic for Hereditary spastic paraplegia 11. Last evaluated: 2025-11-24. Review status: criteria provided, single submitter. Criteria: Invitae Variant Classification Sherloc (09022015). Collection method: clinical testing. Allele origin: germline.
Comment: This sequence change creates a premature translational stop signal (p.Gln1875*) in the SPG11 gene. It is expected to result in an absent or disrupted protein product. Loss-of-function variants in SPG11 are known to be pathogenic (PMID: 19105190, 20110243, 22154821, 26556829). This variant is present in population databases (rs141848292, gnomAD 0.005%). This premature translational stop signal has been observed in individual(s) with spastic paraplegia (PMID: 18717728, 19194956). In at least one individual the data is consistent with being in trans (on the opposite chromosome) from a pathogenic variant. ClinVar contains an entry for this variant (Variation ID: 1116). For these reasons, this variant has been classified as Pathogenic.

First Genomix Gene Laboratory, Genetic Diagnostics Department
Classification: Pathogenic for Amyotrophic lateral sclerosis type 5; Charcot-Marie-Tooth disease axonal type 2X; Hereditary spastic paraplegia 11. Last evaluated: 2025-04-15. Review status: criteria provided, single submitter. Criteria: ACMG Guidelines, 2015. Collection method: clinical testing. Allele origin: germline. Inheritance: Autosomal recessive inheritance. Affected: no. Observed: 1 variant allele.

Institute of Human Genetics Munich, TUM University Hospital
Classification: Pathogenic for Hereditary spastic paraplegia 11. Last evaluated: 2024-10-15. Review status: criteria provided, single submitter. Criteria: Classification criteria August 2017. Collection method: clinical testing. Allele origin: maternal. Inheritance: Autosomal recessive inheritance. Affected: yes. Observed: 1 variant allele.

Blueprint Genetics
Classification: Pathogenic for SPG11-related disorders. Last evaluated: 2024-04-26. Review status: criteria provided, single submitter. Criteria: ACMG Guidelines, 2015. Collection method: clinical testing. Allele origin: germline. Affected: yes. Observed: 5 variant alleles.

Athena Diagnostics
Classification: Pathogenic. Last evaluated: 2024-04-10. Review status: criteria provided, single submitter. Criteria: Athena Diagnostics Criteria. Collection method: clinical testing. Allele origin: unknown.
Comment: This variant is expected to result in the loss of a functional protein. The frequency of this variant in the general population is consistent with pathogenicity. In multiple individuals with spastic paraplegia, this variant has been seen with a single recessive pathogenic variant in the same gene.

3billion
Classification: Pathogenic for Hereditary spastic paraplegia 11. Last evaluated: 2024-02-24. Review status: criteria provided, single submitter. Criteria: ACMG Guidelines, 2015. Collection method: clinical testing. Allele origin: germline. Affected: yes.
Comment: The variant is observed at an extremely low frequency in the gnomAD v2.1.1 dataset (total allele frequency: 0.003%). Predicted Consequence/Location: Stop-gained (nonsense): predicted to result in a loss or disruption of normal protein function through nonsense-mediated decay (NMD) or protein truncation. Multiple pathogenic variants are reported downstream of the variant. The variant has been reported at least twice as pathogenic with clinical assertions and evidence for the classification (ClinVar ID: VCV000001116 /PMID: 18717728). Therefore, this variant is classified as Pathogenic according to the recommendation of ACMG/AMP guideline.

CeGaT Center for Human Genetics Tuebingen
Classification: Pathogenic. Last evaluated: 2023-02-01. Review status: criteria provided, single submitter. Criteria: CeGaT Center For Human Genetics Tuebingen Variant Classification Criteria Version 2. Collection method: clinical testing. Allele origin: germline. Affected: yes. Observed: 1 variant allele.
Comment: SPG11: PVS1, PM3:Strong, PM2

GeneDx
Classification: Pathogenic. Last evaluated: 2022-07-14. Review status: criteria provided, single submitter. Criteria: GeneDx Variant Classification Process June 2021. Collection method: clinical testing. Allele origin: germline. Affected: yes.
Comment: Nonsense variant predicted to result in protein truncation or nonsense mediated decay in a gene for which loss of function is a known mechanism of disease; Not observed at significant frequency in large population cohorts (gnomAD); This variant is associated with the following publications: (PMID: 20390432, 25525159, 21035867, 19194956, 20301389, 22749184, 31086828, 18717728)

Fulgent Genetics
Classification: Pathogenic for Amyotrophic lateral sclerosis type 5; Hereditary spastic paraplegia 11; Charcot-Marie-Tooth disease axonal type 2X. Last evaluated: 2022-04-21. Review status: criteria provided, single submitter. Criteria: ACMG Guidelines, 2015. Collection method: clinical testing. Allele origin: unknown.

Institute of Medical Genetics and Applied Genomics, University Hospital Tübingen
Classification: Pathogenic. Last evaluated: 2020-10-23. Review status: criteria provided, single submitter. Criteria: ACMG Guidelines, 2015. Collection method: clinical testing. Allele origin: germline. Inheritance: Unknown mechanism. Affected: yes.

Ambry Genetics
Classification: Pathogenic for Inborn genetic diseases. Last evaluated: 2020-03-18. Review status: criteria provided, single submitter. Criteria: Ambry Variant Classification Scheme 2023. Collection method: clinical testing. Allele origin: germline.
Comment: The p.Q1875* variant (also known as c.5623C>T), located in coding exon 30 of the SPG11 gene, results from a C to T substitution at nucleotide position 5623. This changes the amino acid from a glutamine to a stop codon within coding exon 30. This alteration is expected to result in loss of function by premature protein truncation or nonsense-mediated mRNA decay. As such, this alteration is interpreted as a disease-causing mutation.

Genetic Services Laboratory, University of Chicago
Classification: Pathogenic. Last evaluated: 2020-03-16. Review status: criteria provided, single submitter. Criteria: ACMG Guidelines, 2015. Collection method: clinical testing. Allele origin: germline. Affected: yes.
Comment: DNA sequence analysis of the SPG11 gene demonstrated a sequence change, c.5623C>T, which results in the creation of a premature stop codon at amino acid position 1875, p.Gln1875*. This sequence change is predicted to result in an abnormal transcript, which may be degraded, or may lead to the production of a truncated SPG11 protein with potentially abnormal function. This sequence change is absent from the large population databases (ExAC and gnomAD). This sequence change has previously been described in multiple patient with spastic paraplegia type 11 (PMID: 18717728, 19194956). Loss-of-function variants in SPG11 are known to be pathogenic and have been identified in individuals with spastic paraplegia (PMID: 19105190, 20110243, 22154821, 26556829). These collective evidences indicate that sequence change is pathogenic.

Institute of Human Genetics, University of Leipzig Medical Center
Classification: Pathogenic for Hereditary spastic paraplegia 11. Last evaluated: 2019-01-01. Review status: criteria provided, single submitter. Criteria: ACMG Guidelines, 2015. Collection method: clinical testing. Allele origin: unknown. Affected: yes.
Comment: This variant was identified as compound heterozygous.

Genome-Nilou Lab
Classification: Pathogenic for Hereditary spastic paraplegia 11. Review status: criteria provided, single submitter. Criteria: ACMG Guidelines, 2015. Collection method: clinical testing. Allele origin: germline.

OMIM
Classification: Pathogenic for SPASTIC PARAPLEGIA 11, AUTOSOMAL RECESSIVE. Last evaluated: 2009-10-05. Review status: no assertion criteria provided. Collection method: literature only. Allele origin: germline. Not counted in ClinVar's aggregate classification.

GeneReviews
No classification provided. Condition: Hereditary spastic paraplegia 11. Review status: no classification provided. Collection method: literature only. Allele origin: unknown. Not counted in ClinVar's aggregate classification.

Literature cited by the submitters: PubMed 19105190 (cited by Labcorp Genetics (formerly Invitae), Labcorp); PubMed 20110243 (cited by Labcorp Genetics (formerly Invitae), Labcorp); PubMed 22154821 (cited by Labcorp Genetics (formerly Invitae), Labcorp); PubMed 26556829 (cited by Labcorp Genetics (formerly Invitae), Labcorp); PubMed 18717728 (cited by 4 submitters); PubMed 19194956 (cited by 3 submitters); PubMed 35906604 (cited by Athena Diagnostics); PubMed 30778698 (cited by Athena Diagnostics); PubMed 22749184 (cited by Athena Diagnostics); PubMed 20301389 (cited by GeneReviews); NCBI Bookshelf NBK1210 (cited by GeneReviews).